The following is an entry in ClinVar:

ClinVar aggregate classification (germline): Uncertain significance (1 of 4 stars; one submission).

Submission:

Labcorp Genetics (formerly Invitae), Labcorp
Classification: Uncertain significance. Last evaluated: 2025-09-30. Review status: criteria provided, single submitter. Criteria: Invitae Variant Classification Sherloc (09022015). Collection method: clinical testing. Allele origin: germline.
Comment: This sequence change replaces glutamine, which is neutral and polar, with tryptophan, which is neutral and slightly polar, at codon 406 of the NUP133 protein (p.Gln406Trp). This variant is present in population databases (no rsID available, gnomAD 0.02%). This variant has not been reported in the literature in individuals affected with NUP133-related conditions. ClinVar contains an entry for this variant (Variation ID: 2160686). An algorithm developed to predict the effect of missense changes on protein structure and function (PolyPhen-2) suggests that this variant is likely to be tolerated. In summary, the available evidence is currently insufficient to determine the role of this variant in disease. Therefore, it has been classified as a Variant of Uncertain Significance.

NM_018230.3(NUP133):c.1216_1217inv (p.Gln406Trp)

Gene: NUP133 (nucleoporin 133; minus strand). Cytogenetic location: 1q42.13.
Variant type: Inversion.
Coding change: c.1216_1217inv on transcript NM_018230.3 (MANE Select).
Protein change: p.Gln406Trp; replaces glutamine 406 with tryptophan.
Molecular consequence: missense variant.
Genome position: GRCh38 VCF-style: chr1-229487591-TG-CA. GRCh37 (hg19) VCF-style: chr1-229623338-TG-CA.
Other names: short protein forms Q406W.
Identifiers: ClinVar variation 2160686 (VCV002160686.4), ClinGen allele CA2580062276.